The following is an entry in ClinVar:

NM_002890.3(RASA1):c.1534C>T (p.Arg512Ter)

Genes: CCNH (cyclin H; minus strand), RASA1 (RAS p21 protein activator 1; plus strand). Cytogenetic location: 5q14.3.
Variant type: single nucleotide variant.
Coding change: c.1534C>T on transcript NM_002890.3 (MANE Select); coding-DNA position 1534, C replaced by T.
Protein change: p.Arg512Ter; replaces arginine 512 with a stop codon.
Molecular consequence: nonsense. On other transcripts: intron variant (1).
Genome position (GRCh38, 1-based): chr5:87,363,428, C>T. VCF-style: chr5-87363428-C-T. GRCh37 (hg19) VCF-style: chr5-86659245-C-T.
Other names: c.1003C>T, p.Arg335Ter (NM_022650.3); c.933+31616G>A (NM_001364075.2); short protein forms R335*, R512*.
Identifiers: ClinVar variation 440233 (VCV000440233.17), dbSNP rs1554048066, ClinGen allele CA360369335.

ClinVar aggregate classification (germline): Pathogenic. Review status: criteria provided, multiple submitters, no conflicts (2 of 4 stars). 4 submissions from 4 submitters: Pathogenic (4). Last evaluated 2025-08-20.

Conditions:
Capillary malformation-arteriovenous malformation syndrome. Also called: Capillary malformation-arteriovenous malformation. Identifiers: Orphanet 137667, MedGen C1842180, MONDO:0012016.
Multiple congenital anomalies/dysmorphic syndrome-intellectual disability. Identifiers: Orphanet 102283, MedGen C5680372, MONDO:0015159.

Allele frequency attached by ClinVar (database versions not stated): gnomAD exomes below 0.00001.
gnomAD v4.1: 1 of 1,610,912 alleles (0.000062%); highest among the groups gnomAD compares: Non-Finnish European, 0.000085%; no homozygotes.

Submissions (4):

GeneDx
Classification: Pathogenic. Last evaluated: 2025-08-20. Review status: criteria provided, single submitter. Criteria: GeneDx Variant Classification Process June 2021. Collection method: clinical testing. Allele origin: germline. Affected: yes.
Comment: Identified as a somatic variant in endothelial cells from a capillary malformation in a patient who harbors a different germline RASA1 pathogenic variant (PMID: 29024832); Not observed at significant frequency in large population cohorts (gnomAD); Nonsense variant predicted to result in protein truncation or nonsense mediated decay in a gene for which loss of function is a known mechanism of disease; This variant is associated with the following publications: (PMID: 35228337, 25059281, 24038909, 29891884, 29024832)

Labcorp Genetics (formerly Invitae), Labcorp
Classification: Pathogenic for Capillary malformation-arteriovenous malformation syndrome. Last evaluated: 2024-06-25. Review status: criteria provided, single submitter. Criteria: Invitae Variant Classification Sherloc (09022015). Collection method: clinical testing. Allele origin: germline.
Comment: This sequence change creates a premature translational stop signal (p.Arg512*) in the RASA1 gene. It is expected to result in an absent or disrupted protein product. Loss-of-function variants in RASA1 are known to be pathogenic (PMID: 24038909). This variant is not present in population databases (gnomAD no frequency). This premature translational stop signal has been observed in individual(s) with RASA1-related conditions (PMID: 24038909). ClinVar contains an entry for this variant (Variation ID: 440233). Algorithms developed to predict the effect of sequence changes on RNA splicing suggest that this variant may disrupt the consensus splice site. For these reasons, this variant has been classified as Pathogenic.

AURAGEN, Plan France Médecine Génomique
Classification: Pathogenic for Multiple congenital anomalies/dysmorphic syndrome-intellectual disability. Last evaluated: 2021-10-21. Review status: criteria provided, single submitter. Criteria: PFMG2025 (Lancet Reg Health Eur. 2025). Collection method: clinical testing. Allele origin: germline. Affected: yes.

ARUP Laboratories, Molecular Genetics and Genomics, ARUP Laboratories
Classification: Pathogenic. Last evaluated: 2016-09-16. Review status: criteria provided, single submitter. Criteria: ARUP Molecular Germline Variant Investigation Process. Collection method: clinical testing. Allele origin: germline.

Literature cited by the submitters: PubMed 24038909 (cited by Labcorp Genetics (formerly Invitae), Labcorp).